The following is an entry in ClinVar:

NM_000285.4(PEPD):c.164A>C (p.Gln55Pro)

Gene: PEPD (peptidase D; minus strand). Cytogenetic location: 19q13.11.
Variant type: single nucleotide variant.
Coding change: c.164A>C on transcript NM_000285.4 (MANE Select); coding-DNA position 164, A replaced by C.
Protein change: p.Gln55Pro; replaces glutamine 55 with proline.
Molecular consequence: missense variant.
Genome position (GRCh38, 1-based): chr19:33,512,630, T>G on the plus strand (A>C on the coding strand, the complement: PEPD is on the minus strand). VCF-style: chr19-33512630-T-G. GRCh37 (hg19) VCF-style: chr19-34003536-T-G.
Other names: c.164A>C, p.Gln55Pro (NM_001166056.2, NM_001166057.2); short protein forms Q55P.
Identifiers: ClinVar variation 4808780 (VCV004808780.1).
Genomic context (GRCh38, chr19:33,512,630, plus strand): 5'-TGTGGCCAAGCGGGGAGGCTCACCTGGCGGAAGAGGACCCCGGTGTCGGTGCAGTAGCGC[T>G]GAGTCTCCTCCCCGCCCTGCAGGACCACGATGGAGCCGGCCTGCACAGCAGGGTTCTTCC-3'
Protein context (NP_000276.2, residues 45-65): IVVLQGGEET[Gln55Pro]RYCTDTGVLF

ClinVar aggregate classification (germline): Uncertain significance (1 of 4 stars; one submission).

gnomAD v4.1: 44 of 1,613,820 alleles (0.0027%); highest among the groups gnomAD compares: Non-Finnish European, 0.0037%; no homozygotes.

Submission:

Labcorp Genetics (formerly Invitae), Labcorp
Classification: Uncertain significance. Last evaluated: 2025-04-11. Review status: criteria provided, single submitter. Criteria: Invitae Variant Classification Sherloc (09022015). Collection method: clinical testing. Allele origin: germline.
Comment: This sequence change replaces glutamine, which is neutral and polar, with proline, which is neutral and non-polar, at codon 55 of the PEPD protein (p.Gln55Pro). This variant is not present in population databases (gnomAD no frequency). This variant has not been reported in the literature in individuals affected with PEPD-related conditions. Invitae Evidence Modeling of protein sequence and biophysical properties (such as structural, functional, and spatial information, amino acid conservation, physicochemical variation, residue mobility, and thermodynamic stability) indicates that this missense variant is not expected to disrupt PEPD protein function with a negative predictive value of 95%. In summary, the available evidence is currently insufficient to determine the role of this variant in disease. Therefore, it has been classified as a Variant of Uncertain Significance.